The following is an entry in ClinVar:

NM_000080.4(CHRNE):c.250C>G (p.Arg84Gly)

Genes: C17orf107 (chromosome 17 open reading frame 107; plus strand), CHRNE (cholinergic receptor nicotinic epsilon subunit; minus strand). Cytogenetic location: 17p13.2.
Variant type: single nucleotide variant.
Coding change: c.250C>G on transcript NM_000080.4 (MANE Select); coding-DNA position 250, C replaced by G.
Protein change: p.Arg84Gly; replaces arginine 84 with glycine.
Molecular consequence: missense variant. On other transcripts: 3 prime UTR variant (1).
Genome position (GRCh38, 1-based): chr17:4,902,311, G>C on the plus strand (C>G on the coding strand, the complement: CHRNE is on the minus strand). VCF-style: chr17-4902311-G-C. GRCh37 (hg19) VCF-style: chr17-4805606-G-C.
Other names: c.*1778G>C (NM_001145536.2); short protein forms R84G.
Identifiers: ClinVar variation 4808085 (VCV004808085.1).

ClinVar aggregate classification (germline): Uncertain significance (1 of 4 stars; one submission).

Conditions:
Congenital myasthenic syndrome 4A. Also called: Myasthenic syndrome, congenital, 4a, slow-channel; MYASTHENIC SYNDROME, CONGENITAL, 4A, SLOW-CHANNEL, AUTOSOMAL RECESSIVE; CONGENITAL MYASTHENIC SYNDROME TYPE Ia1. Identifiers: Orphanet 590, MedGen C4225413, MONDO:0011600, OMIM 605809.

gnomAD v4.1: 10 of 1,614,158 alleles (0.00062%); highest among the groups gnomAD compares: Admixed American, 0.015%; no homozygotes.

Submission:

Labcorp Genetics (formerly Invitae), Labcorp
Classification: Uncertain significance for Congenital myasthenic syndrome 4A. Last evaluated: 2025-09-08. Review status: criteria provided, single submitter. Criteria: Invitae Variant Classification Sherloc (09022015). Collection method: clinical testing. Allele origin: germline.
Comment: This sequence change replaces arginine, which is basic and polar, with glycine, which is neutral and non-polar, at codon 84 of the CHRNE protein (p.Arg84Gly). This variant is present in population databases (rs121909513, gnomAD 0.006%). This variant has not been reported in the literature in individuals affected with CHRNE-related conditions. Invitae Evidence Modeling of protein sequence and biophysical properties (such as structural, functional, and spatial information, amino acid conservation, physicochemical variation, residue mobility, and thermodynamic stability) indicates that this missense variant is expected to disrupt CHRNE protein function with a positive predictive value of 95%. In summary, the available evidence is currently insufficient to determine the role of this variant in disease. Therefore, it has been classified as a Variant of Uncertain Significance.